The following is an entry in ClinVar:

ClinVar aggregate classification (germline): Uncertain significance (1 of 4 stars; one submission).

Allele frequency attached by ClinVar (database versions not stated): gnomAD exomes below 0.00001 and 0.00001.

Submission:

Labcorp Genetics (formerly Invitae), Labcorp
Classification: Uncertain significance. Last evaluated: 2024-11-05. Review status: criteria provided, single submitter. Criteria: Invitae Variant Classification Sherloc (09022015). Collection method: clinical testing. Allele origin: germline.
Comment: This sequence change replaces proline, which is neutral and non-polar, with serine, which is neutral and polar, at codon 783 of the CACNA1F protein (p.Pro783Ser). The frequency data for this variant in the population databases is considered unreliable, as metrics indicate poor data quality at this position in the gnomAD database. This variant has not been reported in the literature in individuals affected with CACNA1F-related conditions. ClinVar contains an entry for this variant (Variation ID: 1465293). Invitae Evidence Modeling of protein sequence and biophysical properties (such as structural, functional, and spatial information, amino acid conservation, physicochemical variation, residue mobility, and thermodynamic stability) indicates that this missense variant is not expected to disrupt CACNA1F protein function with a negative predictive value of 80%. In summary, the available evidence is currently insufficient to determine the role of this variant in disease. Therefore, it has been classified as a Variant of Uncertain Significance.

NM_001256789.3(CACNA1F):c.2314C>T (p.Pro772Ser)

Gene: CACNA1F (calcium voltage-gated channel subunit alpha1 F; minus strand). Cytogenetic location: Xp11.23.
Variant type: single nucleotide variant.
Coding change: c.2314C>T on transcript NM_001256789.3 (MANE Select); coding-DNA position 2314, C replaced by T.
Protein change: p.Pro772Ser; replaces proline 772 with serine.
Molecular consequence: missense variant.
Genome position (GRCh38, 1-based): chrX:49,221,055, G>A on the plus strand (C>T on the coding strand, the complement: CACNA1F is on the minus strand). VCF-style: chrX-49221055-G-A. GRCh37 (hg19) VCF-style: chrX-49077514-G-A.
Other names: c.2152C>T, p.Pro718Ser (NM_001256790.3); c.2347C>T, p.Pro783Ser (NM_005183.4); short protein forms P772S, P783S, P718S.
Identifiers: ClinVar variation 1465293 (VCV001465293.8), dbSNP rs1557108678, ClinGen allele CA412908827.